The following is an entry in ClinVar:

NM_138773.4(SLC25A46):c.23G>C (p.Gly8Ala)

Gene: SLC25A46 (solute carrier family 25 member 46; plus strand). Cytogenetic location: 5q22.1.
Variant type: single nucleotide variant.
Coding change: c.23G>C on transcript NM_138773.4 (MANE Select); coding-DNA position 23, G replaced by C.
Protein change: p.Gly8Ala; replaces glycine 8 with alanine.
Molecular consequence: missense variant. On other transcripts: non-coding transcript variant (1), intron variant (1).
Genome position (GRCh38, 1-based): chr5:110,739,142, G>C. VCF-style: chr5-110739142-G-C. GRCh37 (hg19) VCF-style: chr5-110074843-G-C.
Other names: c.23G>C, p.Gly8Ala (NM_001303249.3); c.10+895G>C (NM_001303250.3); short protein forms G8A.
Identifiers: ClinVar variation 571245 (VCV000571245.10), dbSNP rs960197684, ClinGen allele CA360692983.

ClinVar aggregate classification (germline): Uncertain significance (1 of 4 stars; one submission).

Conditions:
Neuropathy, hereditary motor and sensory, type 6B (HMSN6B). Also called: NEUROPATHY, HEREDITARY MOTOR AND SENSORY, TYPE VIB, WITH OPTIC ATROPHY; Neuropathy, hereditary motor and sensory, type VIB; HMSN VIB; CHARCOT-MARIE-TOOTH DISEASE, TYPE 6B. Identifiers: MedGen C4225302, MONDO:0014671, OMIM 616505.

Allele frequency attached by ClinVar (database versions not stated): gnomAD 0.00001; TOPMed 0.00001.
gnomAD v4.1: 2 of 1,549,038 alleles (0.00013%); highest among the groups gnomAD compares: Non-Finnish European, 0.00017%; no homozygotes.

Submission:

Labcorp Genetics (formerly Invitae), Labcorp
Classification: Uncertain significance for Neuropathy, hereditary motor and sensory, type 6B. Last evaluated: 2022-05-27. Review status: criteria provided, single submitter. Criteria: Invitae Variant Classification Sherloc (09022015). Collection method: clinical testing. Allele origin: germline.
Comment: This sequence change replaces glycine, which is neutral and non-polar, with alanine, which is neutral and non-polar, at codon 8 of the SLC25A46 protein (p.Gly8Ala). In summary, the available evidence is currently insufficient to determine the role of this variant in disease. Therefore, it has been classified as a Variant of Uncertain Significance. Algorithms developed to predict the effect of missense changes on protein structure and function (SIFT, PolyPhen-2, Align-GVGD) all suggest that this variant is likely to be tolerated. ClinVar contains an entry for this variant (Variation ID: 571245). This variant has not been reported in the literature in individuals affected with SLC25A46-related conditions. This variant is not present in population databases (gnomAD no frequency).